The following is an entry in ClinVar:

NM_000038.6(APC):c.8473T>C (p.Ser2825Pro)

Gene: APC (APC regulator of Wnt signaling pathway; plus strand). Cytogenetic location: 5q22.2.
Variant type: single nucleotide variant.
Coding change: c.8473T>C on transcript NM_000038.6 (MANE Select); coding-DNA position 8473, T replaced by C.
Protein change: p.Ser2825Pro; replaces serine 2825 with proline.
Molecular consequence: missense variant.
Genome position (GRCh38, 1-based): chr5:112,844,067, T>C. VCF-style: chr5-112844067-T-C. GRCh37 (hg19) VCF-style: chr5-112179764-T-C.
Other names: c.8473T>C, p.Ser2825Pro (NM_001127510.3, NM_001354895.2); c.8419T>C, p.Ser2807Pro (NM_001127511.3); c.8527T>C, p.Ser2843Pro (NM_001354896.2); c.8503T>C, p.Ser2835Pro (NM_001354897.2); c.8398T>C, p.Ser2800Pro (NM_001354898.2); c.8389T>C, p.Ser2797Pro (NM_001354899.2); c.8350T>C, p.Ser2784Pro (NM_001354900.2); c.8296T>C, p.Ser2766Pro (NM_001354901.2); and 5 more; short protein forms S2542P, S2665P, S2699P, S2724P, S2734P, S2766P, S2784P, S2797P.
Identifiers: ClinVar variation 929144 (VCV000929144.15), dbSNP rs1766756689, ClinGen allele CA16039713.

ClinVar aggregate classification (germline): Uncertain significance. Review status: criteria provided, multiple submitters, no conflicts (2 of 4 stars). 4 submissions from 4 submitters: Uncertain significance (4). Last evaluated 2023-07-24.

Conditions:
Hereditary cancer-predisposing syndrome. Also called: Neoplastic Syndromes, Hereditary; Hereditary Cancer Syndrome; Tumor predisposition; Hereditary neoplastic syndrome. Identifiers: Orphanet 140162, MedGen C0027672, MeSH D009386, MONDO:0015356.
Familial adenomatous polyposis 1 (FAP1). Also called: FAMILIAL ADENOMATOUS POLYPOSIS 1, ATTENUATED; POLYPOSIS, ADENOMATOUS INTESTINAL. Identifiers: MedGen C2713442, MONDO:0021056, OMIM 175100. Disease mechanism: loss of function.

Submissions (4):

GeneDx
Classification: Uncertain significance. Last evaluated: 2023-07-24. Review status: criteria provided, single submitter. Criteria: GeneDx Variant Classification Process June 2021. Collection method: clinical testing. Allele origin: germline. Affected: yes.
Comment: Not observed at significant frequency in large population cohorts (gnomAD); In silico analysis supports that this missense variant does not alter protein structure/function; Has not been previously published as pathogenic or benign to our knowledge; This variant is associated with the following publications: (PMID: 18199528)

Ambry Genetics
Classification: Uncertain significance for Hereditary cancer-predisposing syndrome. Last evaluated: 2022-08-22. Review status: criteria provided, single submitter. Criteria: Ambry Variant Classification Scheme 2023. Collection method: clinical testing. Allele origin: germline.
Comment: The p.S2825P variant (also known as c.8473T>C), located in coding exon 15 of the APC gene, results from a T to C substitution at nucleotide position 8473. The serine at codon 2825 is replaced by proline, an amino acid with similar properties. This amino acid position is well conserved in available vertebrate species. In addition, in silico predictors for this gene do not accurately predict pathogenicity. Since supporting evidence is limited at this time, the clinical significance of this alteration remains unclear.

Labcorp Genetics (formerly Invitae), Labcorp
Classification: Uncertain significance for Familial adenomatous polyposis 1. Last evaluated: 2019-07-05. Review status: criteria provided, single submitter. Criteria: Invitae Variant Classification Sherloc (09022015). Collection method: clinical testing. Allele origin: germline.
Comment: This sequence change replaces serine with proline at codon 2825 of the APC protein (p.Ser2825Pro). The serine residue is moderately conserved and there is a moderate physicochemical difference between serine and proline. This variant is not present in population databases (ExAC no frequency). This variant has not been reported in the literature in individuals with APC-related conditions. Algorithms developed to predict the effect of missense changes on protein structure and function output the following: SIFT: "Tolerated"; PolyPhen-2: "Benign"; Align-GVGD: "Class C0". The proline amino acid residue is found in multiple mammalian species, suggesting that this missense change does not adversely affect protein function. These predictions have not been confirmed by published functional studies and their clinical significance is uncertain. In summary, the available evidence is currently insufficient to determine the role of this variant in disease. Therefore, it has been classified as a Variant of Uncertain Significance.

Women's Health and Genetics/Laboratory Corporation of America, LabCorp
Classification: Uncertain significance. Last evaluated: 2019-05-02. Review status: criteria provided, single submitter. Criteria: LabCorp Variant Classification Summary - May 2015. Collection method: clinical testing. Allele origin: germline.
Comment: Variant summary: APC c.8473T>C (p.Ser2825Pro) results in a non-conservative amino acid change located in the EB-1 binding domain of the encoded protein sequence. Three of five in-silico tools predict a benign effect of the variant on protein function. The variant was absent in 244260 control chromosomes (gnomAD). The available data on variant occurrences in the general population are insufficient to allow any conclusion about variant significance. To our knowledge, no occurrence of c.8473T>C in individuals affected with Familial Adenomatous Polyposis and no experimental evidence demonstrating its impact on protein function have been reported. No clinical diagnostic laboratories have submitted clinical-significance assessments for this variant to ClinVar after 2014. Based on the evidence outlined above, the variant was classified as uncertain significance.